The following is an entry in ClinVar:

ClinVar aggregate classification (germline): Likely pathogenic (1 of 4 stars; one submission).

Submission:

Labcorp Genetics (formerly Invitae), Labcorp
Classification: Likely pathogenic. Last evaluated: 2024-01-11. Review status: criteria provided, single submitter. Criteria: Invitae Variant Classification Sherloc (09022015). Collection method: clinical testing. Allele origin: germline.
Comment: This sequence change affects a donor splice site in intron 34 of the COL17A1 gene. It is expected to disrupt RNA splicing. Variants that disrupt the donor or acceptor splice site typically lead to a loss of protein function (PMID: 16199547), and loss-of-function variants in COL17A1 are known to be pathogenic (PMID: 16473856, 17344927, 20301304, 21357940, 24319098). This variant is not present in population databases (gnomAD no frequency). This variant has not been reported in the literature in individuals affected with COL17A1-related conditions. Algorithms developed to predict the effect of sequence changes on RNA splicing suggest that this variant may disrupt the consensus splice site. In summary, the currently available evidence indicates that the variant is pathogenic, but additional data are needed to prove that conclusively. Therefore, this variant has been classified as Likely Pathogenic.

Literature cited by the submitters: PubMed 16199547; PubMed 16473856; PubMed 17344927; PubMed 20301304; PubMed 21357940; PubMed 24319098.

NM_000494.4(COL17A1):c.2434+1G>C

Gene: COL17A1 (collagen type XVII alpha 1 chain; minus strand). Cytogenetic location: 10q25.1.
Variant type: single nucleotide variant.
Coding change: c.2434+1G>C on transcript NM_000494.4 (MANE Select); the canonical splice donor site of the intron after coding-DNA position 2434, G replaced by C.
Molecular consequence: splice donor variant.
Genome position (GRCh38, 1-based): chr10:104,043,824, C>G on the plus strand (G>C on the coding strand, the complement: COL17A1 is on the minus strand). VCF-style: chr10-104043824-C-G. GRCh37 (hg19) VCF-style: chr10-105803582-C-G.
Identifiers: ClinVar variation 2858856 (VCV002858856.3), dbSNP rs2493308471, ClinGen allele CA378068738.